The following is an entry in ClinVar:

ClinVar aggregate classification (germline): Pathogenic (1 of 4 stars; one submission).

Conditions:
Hereditary cancer-predisposing syndrome. Also called: Neoplastic Syndromes, Hereditary; Tumor predisposition; Hereditary Cancer Syndrome; Hereditary neoplastic syndrome. Identifiers: Orphanet 140162, MedGen C0027672, MeSH D009386, MONDO:0015356.

Submission:

Ambry Genetics
Classification: Pathogenic for Hereditary cancer-predisposing syndrome. Last evaluated: 2023-09-19. Review status: criteria provided, single submitter. Criteria: Ambry Variant Classification Scheme 2023. Collection method: clinical testing. Allele origin: germline.
Comment: The c.3299_3300delCG pathogenic mutation, located in coding exon 5 of the MSH6 gene, results from a deletion of two nucleotides at nucleotide positions 3299 to 3300, causing a translational frameshift with a predicted alternate stop codon (p.T1100Kfs*7). This alteration is expected to result in loss of function by premature protein truncation or nonsense-mediated mRNA decay. As such, this alteration is interpreted as a disease-causing mutation.

NM_000179.3(MSH6):c.3299_3300del (p.Thr1100fs)

Gene: MSH6 (mutS homolog 6; plus strand). Cytogenetic location: 2p16.3.
Variant type: Deletion.
Coding change: c.3299_3300del on transcript NM_000179.3 (MANE Select); coding-DNA positions 3299 to 3300, 2 bases deleted (CG; older notation c.3299_3300delCG).
Protein change: p.Thr1100fs; shifts the reading frame from threonine 1100.
Molecular consequence: frameshift variant.
Genome position (GRCh38, 1-based): chr2:47,803,546-47,803,547, CG deleted. VCF-style (leftmost placement, unchanged base first): chr2-47803545-ACG-A. GRCh37 (hg19) VCF-style: chr2-48030684-ACG-A.
Other names: c.2909_2910del, p.Thr970fs (NM_001281492.2); c.2393_2394del, p.Thr798fs (NM_001281493.2, NM_001281494.2); c.3395_3396delCG, p.Thr1132Lysfs (NM_001406795.1, NM_001406802.1); c.3299_3300delCG, p.Thr1100Lysfs (NM_001406796.1, NM_001406800.1, NM_001406808.1 and 1 more transcripts); c.3002_3003delCG, p.Thr1001Lysfs (NM_001406797.1, NM_001406801.1, NM_001406805.1 and 10 more transcripts); c.2774_2775delCG, p.Thr925Lysfs (NM_001406799.1, NM_001406806.1, NM_001406807.1); c.2435_2436delCG, p.Thr812Lysfs (NM_001406803.1); c.3221_3222delCG, p.Thr1074Lysfs (NM_001406804.1); and 7 more; short protein forms T798fs, T970fs, T1100fs.
Identifiers: ClinVar variation 1729908 (VCV001729908.2), dbSNP rs2530766507, ClinGen allele CA2580067046.